The following is an entry in ClinVar:

NM_006231.4(POLE):c.882GAT[1] (p.Met295del)

Gene: POLE (DNA polymerase epsilon, catalytic subunit; minus strand). Cytogenetic location: 12q24.33.
Variant type: Microsatellite.
Coding change: c.882GAT[1] on transcript NM_006231.4 (MANE Select); one copy of the 3-base unit GAT starting at c.882; the reference has two copies in a row; one copy, 3 bases deleted.
Protein change: p.Met295del; deletes methionine 295.
Genome position (GRCh38, 1-based): chr12:132,676,568-132,676,570, ATC deleted on the plus strand (GAT on the coding strand, the reverse complement: POLE is on the minus strand); deleting any 3 consecutive bases within chr12:132,676,568-132,676,575 gives the same sequence; the position shown is the placement nearest the transcript's 3' end. VCF-style (leftmost placement, unchanged base first): chr12-132676567-AATC-A. GRCh37 (hg19) VCF-style: chr12-133253153-AATC-A.
Other names: short protein forms M295del.
Identifiers: ClinVar variation 4141143 (VCV004141143.1).

ClinVar aggregate classification (germline): Uncertain significance (1 of 4 stars; one submission).

Conditions:
Hereditary cancer-predisposing syndrome. Also called: Hereditary neoplastic syndrome; Neoplastic Syndromes, Hereditary; Tumor predisposition; Hereditary Cancer Syndrome. Identifiers: Orphanet 140162, MedGen C0027672, MeSH D009386, MONDO:0015356.

Submission:

Ambry Genetics
Classification: Uncertain significance for Hereditary cancer-predisposing syndrome. Last evaluated: 2025-07-17. Review status: criteria provided, single submitter. Criteria: Ambry Variant Classification Scheme 2023. Collection method: clinical testing. Allele origin: germline.
Comment: The c.885_887delGAT variant (also known as p.M295del) is located in coding exon 9 of the POLE gene. This variant results from an in-frame GAT deletion at nucleotide positions 885 to 887. This results in the in-frame deletion of a methionine at codon 295. This amino acid position is highly conserved in available vertebrate species. In addition, this variant is predicted to be deleterious by in silico analysis (Choi Y et al. PLoS ONE. 2012; 7(10):e46688). Based on the available evidence, the clinical significance of this variant remains unclear.